The following is an entry in ClinVar:

NM_016938.5(EFEMP2):c.1234G>A (p.Val412Met)

Genes: EFEMP2 (EGF-like fibulin extracellular matrix protein 2; minus strand), MUS81 (MUS81 structure-specific endonuclease subunit; plus strand). Cytogenetic location: 11q13.1.
Variant type: single nucleotide variant.
Coding change: c.1234G>A on transcript NM_016938.5 (MANE Select); coding-DNA position 1234, G replaced by A.
Protein change: p.Val412Met; replaces valine 412 with methionine.
Molecular consequence: missense variant. On other transcripts: non-coding transcript variant (1).
Genome position (GRCh38, 1-based): chr11:65,867,016, C>T on the plus strand (G>A on the coding strand, the complement: EFEMP2 is on the minus strand). VCF-style: chr11-65867016-C-T. GRCh37 (hg19) VCF-style: chr11-65634487-C-T.
Other names: c.1234G>A (NM_016938.4); short protein forms V412M.
Identifiers: ClinVar variation 1514476 (VCV001514476.7), dbSNP rs146879673, ClinGen allele CA6110358.
Genomic context (GRCh38, chr11:65,867,016, plus strand): 5'-GTACAGAGCTGGCCCGGTAGCTCATGAGGGAATTCATGGTGACCATCTCCAGGTCCAGCA[C>T]GTACTCCCGGGGGCCCGTCACCGGCCGGGCGAGGACCAGCATGGCGCTGACGTTGTTGAT-3'
Protein context (NP_058634.4, residues 402-422): ARPVTGPREY[Val412Met]LDLEMVTMNS

ClinVar aggregate classification (germline): Uncertain significance. Review status: criteria provided, multiple submitters, no conflicts (2 of 4 stars). 3 submissions from 3 submitters: Uncertain significance (3). Last evaluated 2024-12-14.

Conditions:
Cutis laxa, autosomal recessive, type 1B (ARCL1B). Also called: CUTIS LAXA, AUTOSOMAL RECESSIVE, TYPE IB; EFEMP2-Related Cutis Laxa. Identifiers: Orphanet 90349, MedGen C3280798, MONDO:0013754, OMIM 614437. Disease mechanism: loss of function.

gnomAD v4.1: 19 of 1,614,054 alleles (0.0012%); highest among the groups gnomAD compares: Middle Eastern, 0.016%; no homozygotes.

Submissions (3):

Women's Health and Genetics/Laboratory Corporation of America, LabCorp
Classification: Uncertain significance. Last evaluated: 2024-12-14. Review status: criteria provided, single submitter. Criteria: LabCorp Variant Classification Summary - May 2015. Collection method: clinical testing. Allele origin: germline.

GeneDx
Classification: Uncertain significance. Last evaluated: 2024-02-09. Review status: criteria provided, single submitter. Criteria: GeneDx Variant Classification Process June 2021. Collection method: clinical testing. Allele origin: germline. Affected: yes.
Comment: Not observed at significant frequency in large population cohorts (gnomAD); In silico analysis supports that this missense variant does not alter protein structure/function; Has not been previously published as pathogenic or benign to our knowledge

Labcorp Genetics (formerly Invitae), Labcorp
Classification: Uncertain significance for Cutis laxa, autosomal recessive, type 1B. Last evaluated: 2021-09-24. Review status: criteria provided, single submitter. Criteria: Invitae Variant Classification Sherloc (09022015). Collection method: clinical testing. Allele origin: germline.
Comment: This sequence change replaces valine with methionine at codon 412 of the EFEMP2 protein (p.Val412Met). The valine residue is highly conserved and there is a small physicochemical difference between valine and methionine. This variant is present in population databases (rs146879673, ExAC 0.02%). This variant has not been reported in the literature in individuals with EFEMP2-related conditions. Algorithms developed to predict the effect of missense changes on protein structure and function are either unavailable or do not agree on the potential impact of this missense change (SIFT: "Deleterious"; PolyPhen-2: "Possibly Damaging"; Align-GVGD: "Class C15"). In summary, the available evidence is currently insufficient to determine the role of this variant in disease. Therefore, it has been classified as a Variant of Uncertain Significance.